The following is an entry in ClinVar:

NM_000282.4(PCCA):c.1397T>C (p.Met466Thr)

Gene: PCCA (propionyl-CoA carboxylase subunit alpha; plus strand). Cytogenetic location: 13q32.3.
Variant type: single nucleotide variant.
Coding change: c.1397T>C on transcript NM_000282.4 (MANE Select); coding-DNA position 1397, T replaced by C.
Protein change: p.Met466Thr; replaces methionine 466 with threonine.
Molecular consequence: missense variant. On other transcripts: non-coding transcript variant (5).
Genome position (GRCh38, 1-based): chr13:100,309,876, T>C. VCF-style: chr13-100309876-T-C. GRCh37 (hg19) VCF-style: chr13-100962130-T-C.
Other names: c.1319T>C, p.Met440Thr (NM_001127692.3, NM_001352607.2); c.1397T>C, p.Met466Thr (NM_001178004.2, NM_001352605.2, NM_001352609.2); c.1253T>C, p.Met418Thr (NM_001352606.2); c.1175T>C, p.Met392Thr (NM_001352608.2); c.452T>C, p.Met151Thr (NM_001352610.2, NM_001352611.2); c.308T>C, p.Met103Thr (NM_001352612.2); short protein forms M466T, M103T, M151T, M392T, M418T, M440T.
Identifiers: ClinVar variation 2049181 (VCV002049181.3), dbSNP rs370549437, ClinGen allele CA312814.

ClinVar aggregate classification (germline): Uncertain significance. Review status: criteria provided, multiple submitters, no conflicts (2 of 4 stars). 2 submissions from 2 submitters: Uncertain significance (2). Last evaluated 2025-08-22.

Conditions:
Propionic acidemia (PROP). Also called: HYPERGLYCINEMIA WITH KETOACIDOSIS AND LEUKOPENIA; KETOTIC HYPERGLYCINEMIA; GLYCINEMIA, KETOTIC. Identifiers: Orphanet 35, MedGen C0268579, MONDO:0011628, OMIM 606054, HP:0003571.
Inborn genetic diseases. Identifiers: MedGen C0950123, MeSH D030342.

Allele frequency attached by ClinVar (database versions not stated): ExAC 0.00002; gnomAD 0.00005; gnomAD exomes 0.00006; TOPMed 0.00006; ESP Exome Variant Server 0.00008.

Submissions (2):

Ambry Genetics
Classification: Uncertain significance for Inborn genetic diseases. Last evaluated: 2025-08-22. Review status: criteria provided, single submitter. Criteria: Ambry Variant Classification Scheme 2023. Collection method: clinical testing. Allele origin: germline.

Labcorp Genetics (formerly Invitae), Labcorp
Classification: Uncertain significance for Propionic acidemia. Last evaluated: 2024-01-22. Review status: criteria provided, single submitter. Criteria: Invitae Variant Classification Sherloc (09022015). Collection method: clinical testing. Allele origin: germline.
Comment: This sequence change replaces methionine, which is neutral and non-polar, with threonine, which is neutral and polar, at codon 466 of the PCCA protein (p.Met466Thr). This variant is present in population databases (rs370549437, gnomAD 0.006%). This variant has not been reported in the literature in individuals affected with PCCA-related conditions. ClinVar contains an entry for this variant (Variation ID: 2049181). Advanced modeling of protein sequence and biophysical properties (such as structural, functional, and spatial information, amino acid conservation, physicochemical variation, residue mobility, and thermodynamic stability) has been performed at Invitae for this missense variant, however the output from this modeling did not meet the statistical confidence thresholds required to predict the impact of this variant on PCCA protein function. In summary, the available evidence is currently insufficient to determine the role of this variant in disease. Therefore, it has been classified as a Variant of Uncertain Significance.